The following is an entry in ClinVar:

ClinVar aggregate classification (germline): Pathogenic (1 of 4 stars; one submission).

Conditions:
Pulmonary fibrosis and/or bone marrow failure, Telomere-related, 3. Also called: PULMONARY FIBROSIS AND/OR BONE MARROW FAILURE SYNDROME, TELOMERE-RELATED, 3. Identifiers: Orphanet 2032, MedGen C4225346, MONDO:0014613, OMIM 616373.
Dyskeratosis congenita, autosomal recessive 5 (DKCB5). Identifiers: MedGen C3554656, MONDO:0014076, OMIM 615190.

Submission:

Labcorp Genetics (formerly Invitae), Labcorp
Classification: Pathogenic for Dyskeratosis congenita, autosomal recessive 5; Pulmonary fibrosis and/or bone marrow failure, Telomere-related, 3. Last evaluated: 2024-02-08. Review status: criteria provided, single submitter. Criteria: Invitae Variant Classification Sherloc (09022015). Collection method: clinical testing. Allele origin: germline.
Comment: This sequence change creates a premature translational stop signal (p.Gln675Serfs*17) in the RTEL1 gene. It is expected to result in an absent or disrupted protein product. Loss-of-function variants in RTEL1 are known to be pathogenic (PMID: 23453664, 23959892, 25607374). This variant is not present in population databases (gnomAD no frequency). This variant has not been reported in the literature in individuals affected with RTEL1-related conditions. For these reasons, this variant has been classified as Pathogenic.

Literature cited by the submitters: PubMed 23453664; PubMed 23959892; PubMed 25607374.

NM_001283009.2(RTEL1):c.2023del (p.Gln675fs)

Genes: RTEL1 (regulator of telomere elongation helicase 1; plus strand), RTEL1-TNFRSF6B (RTEL1-TNFRSF6B readthrough (NMD candidate); plus strand). Cytogenetic location: 20q13.33.
Variant type: Deletion.
Coding change: c.2023del on transcript NM_001283009.2 (MANE Select); coding-DNA position 2023, one base deleted (C; older notation c.2023delC).
Protein change: p.Gln675fs; shifts the reading frame from glutamine 675.
Molecular consequence: frameshift variant. On other transcripts: non-coding transcript variant (1).
Genome position (GRCh38, 1-based): chr20:63,689,646, C deleted; the last of 2 consecutive C bases (chr20:63,689,645-63,689,646); deleting either gives the same sequence. VCF-style (leftmost placement, unchanged base first): chr20-63689644-GC-G. GRCh37 (hg19) VCF-style: chr20-62320997-GC-G.
Other names: c.1354del, p.Gln452fs (NM_001283010.1); c.2023del, p.Gln675fs (NM_016434.4); c.2095del, p.Gln699fs (NM_032957.5); short protein forms Q452fs, Q675fs, Q699fs.
Identifiers: ClinVar variation 3754524 (VCV003754524.2).
Genomic context (GRCh38, chr20:63,689,644, plus strand): 5'-CCCGGGTTGTCCTCAAGATGCAGTTCCTGGATGAGATGAAGGGCCAGGGTGGGGCTGGGG[GC>G]CAGGTGAGTTACAGCAGGGTGGGGCTGGGGTAAGGCGGTCTGGTGACTGAGCCCCCGCCC-3'